The following is an entry in ClinVar:

ClinVar aggregate classification (germline): Conflicting classifications of pathogenicity. Review status: criteria provided, conflicting classifications (1 of 4 stars). 9 submissions from 9 submitters: Pathogenic (3); Likely pathogenic (4); Uncertain significance (2). Last evaluated 2026-08-06.

Conditions:
Retinitis pigmentosa (RP). Identifiers: Orphanet 791, MedGen C0035334, MeSH D012174, MONDO:0019200, OMIM 268000. Inheritance: Autosomal dominant, autosomal recessive and X linked inheritance.
Retinitis pigmentosa 43 (RP43). Identifiers: Orphanet 791, MedGen C3151139, MONDO:0013437, OMIM 613810.

Submissions (9):

OLLIN Analises Genomicas, OLLIN
Classification: Likely pathogenic for Retinitis pigmentosa 43. Last evaluated: 2026-08-06. Review status: criteria provided, single submitter. Criteria: ACMG Guidelines 2015 PMID 25741868. Collection method: clinical testing. Allele origin: germline.
Comment: This in-frame deletion, located in exon 21 (of 22), has been reported in ClinVar (accession VCV000813060.15), in gnomAD with an allele frequency of 0.00043%, and in the scientific literature, segregating with the phenotype and in compound heterozygosity, in individuals with PDE6A related disorders (PMID: 32531858). This variant removes 1 amino acid, preserving the reading frame and leading to a reduced protein length. According to the currently available evidence, this variant has been classified as likely pathogenic (PM2_P, PM3, PM4, PP1).

Labcorp Genetics (formerly Invitae), Labcorp
Classification: Pathogenic. Last evaluated: 2024-05-15. Review status: criteria provided, single submitter. Criteria: Invitae Variant Classification Sherloc (09022015). Collection method: clinical testing. Allele origin: germline.
Comment: This variant, c.2380_2382del, results in the deletion of 1 amino acid(s) of the PDE6A protein (p.Glu794del), but otherwise preserves the integrity of the reading frame. This variant is present in population databases (rs767540194, gnomAD 0.003%). This variant has been observed in individual(s) with clinical features of retinitis pigmentosa (PMID: 32531858; Invitae). In at least one individual the data is consistent with being in trans (on the opposite chromosome) from a pathogenic variant. It has also been observed to segregate with disease in related individuals. ClinVar contains an entry for this variant (Variation ID: 813060). For these reasons, this variant has been classified as Pathogenic.

Fulgent Genetics
Classification: Likely pathogenic for Retinitis pigmentosa 43. Last evaluated: 2024-03-01. Review status: criteria provided, single submitter. Criteria: ACMG Guidelines, 2015. Collection method: clinical testing. Allele origin: germline.

Women's Health and Genetics/Laboratory Corporation of America, LabCorp
Classification: Uncertain significance. Last evaluated: 2023-06-01. Review status: criteria provided, single submitter. Criteria: LabCorp Variant Classification Summary - May 2015. Collection method: clinical testing. Allele origin: germline.
Comment: Variant summary: PDE6A c.2380_2382delGAG (p.Glu794del) results in an in-frame deletion that is predicted to remove 1 amino acid from the 3'5'-cyclic nucleotide phosphodiesterase, catalytic domain (IPR002073) of the encoded protein. The variant allele was found at a frequency of 8e-06 in 251482 control chromosomes (gnomAD). c.2380_2382delGAG has been reported in the literature in heterozygous individuals affected with retinal disease without second alleles identified (Weisschuh_2020, Villanueva-Mendoza_2021). These data indicate that the variant may be associated with disease. To our knowledge, no experimental evidence demonstrating an impact on protein function has been reported. The following publications have been ascertained in the context of this evaluation (PMID: 32531858, 34828430). Five submitters have provided clinical-significance assessments for this variant to ClinVar after 2014, and classified the variant as pathogenic/likely pathogenic. Based on the evidence outlined above, the variant was classified as VUS-possibly pathogenic.

Mendelics
Classification: Pathogenic. Last evaluated: 2023-03-30. Review status: criteria provided, single submitter. Criteria: Mendelics Assertion Criteria 2019. Collection method: clinical testing. Allele origin: germline.

Blueprint Genetics
Classification: Uncertain significance. Last evaluated: 2022-01-18. Review status: criteria provided, single submitter. Criteria: ACMG Guidelines, 2015. Collection method: clinical testing. Allele origin: germline.

Institute of Medical Genetics and Applied Genomics, University Hospital Tübingen
Classification: Likely pathogenic. Last evaluated: 2021-06-17. Review status: criteria provided, single submitter. Criteria: ACMG Guidelines, 2015. Collection method: clinical testing. Allele origin: germline. Inheritance: Autosomal recessive inheritance. Affected: yes.

DBGen Ocular Genomics
Classification: Likely pathogenic for Retinitis pigmentosa 43. Last evaluated: 2021-05-25. Review status: criteria provided, single submitter. Criteria: ACMG Guidelines, 2015. Collection method: clinical testing. Allele origin: germline. Affected: yes. Observed: 1 variant allele.

Molecular Genetics Laboratory, Institute for Ophthalmic Research
Classification: Pathogenic for Retinitis pigmentosa. Last evaluated: 2020-01-09. Review status: criteria provided, single submitter. Criteria: ACMG Guidelines, 2015. Collection method: research. Allele origin: germline. Affected: yes.

Literature cited by the submitters: PubMed 32531858 (cited by 3 submitters); PubMed 34828430 (cited by Women's Health and Genetics/Laboratory Corporation of America, LabCorp).

NM_000440.3(PDE6A):c.2377GAG[1] (p.Glu794del)

Gene: PDE6A (phosphodiesterase 6A; minus strand). Cytogenetic location: 5q32.
Variant type: Microsatellite.
Coding change: c.2377GAG[1] on transcript NM_000440.3 (MANE Select); one copy of the 3-base unit GAG starting at c.2377; the reference has two copies in a row; one copy, 3 bases deleted; also written c.2380_2382del.
Protein change: p.Glu794del; deletes glutamic acid 794.
Molecular consequence: inframe deletion.
Genome position (GRCh38, 1-based): chr5:149,863,243-149,863,245, CTC deleted on the plus strand (GAG on the coding strand, the reverse complement: PDE6A is on the minus strand); deleting any 3 consecutive bases within chr5:149,863,243-149,863,248 gives the same sequence; the position shown is the placement nearest the transcript's 3' end. VCF-style (leftmost placement, unchanged base first): chr5-149863242-TCTC-T. GRCh37 (hg19) VCF-style: chr5-149242805-TCTC-T.
Other names: c.2380_2382del (NM_000440.3); c.2380_2382delGAG (NM_000440.2); short protein forms E794del.
Identifiers: ClinVar variation 813060 (VCV000813060.17), dbSNP rs767540194, ClinGen allele CA3504290.